The following is an entry in ClinVar:

NM_000282.4(PCCA):c.1129G>A (p.Ala377Thr)

Gene: PCCA (propionyl-CoA carboxylase subunit alpha; plus strand). Cytogenetic location: 13q32.3.
Variant type: single nucleotide variant.
Coding change: c.1129G>A on transcript NM_000282.4 (MANE Select); coding-DNA position 1129, G replaced by A.
Protein change: p.Ala377Thr; replaces alanine 377 with threonine.
Molecular consequence: missense variant. On other transcripts: non-coding transcript variant (5), intron variant (3).
Genome position (GRCh38, 1-based): chr13:100,301,523, G>A. VCF-style: chr13-100301523-G-A. GRCh37 (hg19) VCF-style: chr13-100953777-G-A.
Other names: c.1051G>A, p.Ala351Thr (NM_001127692.3, NM_001352607.2); c.1129G>A, p.Ala377Thr (NM_001178004.2, NM_001352605.2, NM_001352609.2); c.184G>A, p.Ala62Thr (NM_001352610.2, NM_001352611.2); c.1066-1401G>A (NM_001352606.2); c.121-1401G>A (NM_001352612.2); c.988-1401G>A (NM_001352608.2); short protein forms A351T, A377T, A62T.
Identifiers: ClinVar variation 1710761 (VCV001710761.3), dbSNP rs751755591, ClinGen allele CA7033514.

ClinVar aggregate classification (germline): Uncertain significance. Review status: criteria provided, single submitter (1 of 4 stars). 2 submissions from 2 submitters: Uncertain significance (1). 1 of the submissions does not count toward it. Last evaluated 2022-04-11.

Conditions:
Propionic acidemia (PROP). Also called: GLYCINEMIA, KETOTIC; HYPERGLYCINEMIA WITH KETOACIDOSIS AND LEUKOPENIA; KETOTIC HYPERGLYCINEMIA. Identifiers: Orphanet 35, MedGen C0268579, MONDO:0011628, OMIM 606054, HP:0003571.

Allele frequency attached by ClinVar (database versions not stated): gnomAD exomes below 0.00001; ExAC 0.00001.
gnomAD v4.1: 1 of 1,614,092 alleles (0.000062%); highest among the groups gnomAD compares: Non-Finnish European, 0.000085%; no homozygotes.

Submissions (2):

GeneDx
Classification: Uncertain significance. Last evaluated: 2022-04-11. Review status: criteria provided, single submitter. Criteria: GeneDx Variant Classification Process June 2021. Collection method: clinical testing. Allele origin: germline. Affected: yes.
Comment: Not observed at significant frequency in large population cohorts (gnomAD); In silico analysis supports that this missense variant has a deleterious effect on protein structure/function; Has not been previously published as pathogenic or benign to our knowledge

Natera, Inc.
Classification: Uncertain significance for Propionic acidemia. Last evaluated: 2025-03-19. Review status: no assertion criteria provided. Collection method: clinical testing. Allele origin: germline. Not counted in ClinVar's aggregate classification.